The following is an entry in ClinVar:

ClinVar aggregate classification (germline): Conflicting classifications of pathogenicity. Review status: criteria provided, conflicting classifications (1 of 4 stars). 6 submissions from 6 submitters: Uncertain significance (5); Likely benign (1). Last evaluated 2025-03-01.

Conditions:
Early-onset myopathy with fatal cardiomyopathy (CMYO5). Also called: Salih Myopathy; CONGENITAL MYOPATHY 5 WITH CARDIOMYOPATHY. Identifiers: Orphanet 289377, MedGen C2673677, MONDO:0012714, OMIM 611705. Disease mechanism: loss of function.
Autosomal recessive limb-girdle muscular dystrophy type 2J (LGMDR10). Also called: Limb-girdle muscular dystrophy, type 2J; MUSCULAR DYSTROPHY, LIMB-GIRDLE, AUTOSOMAL RECESSIVE 10. Identifiers: Orphanet 140922, MedGen C1837342, MONDO:0012127, OMIM 608807.
Myopathy, myofibrillar, 9, with early respiratory failure (MFM9). Also called: EDSTROM MYOPATHY; MYOPATHY, PROXIMAL, WITH EARLY RESPIRATORY MUSCLE INVOLVEMENT; Myopathy, distal, with early respiratory failure, autosomal dominant; Hereditary myopathy with early respiratory failure. Identifiers: Orphanet 178464, Orphanet 34521, MedGen C1863599, MONDO:0011362, OMIM 603689.
Dilated cardiomyopathy 1G (CMD1G). Identifiers: Orphanet 154, MedGen C1858763, MONDO:0011400, OMIM 604145.
Tibial muscular dystrophy (TMD). Also called: Tibial muscular dystrophy, tardive; UDD MYOPATHY; Udd Distal Myopathy – Tibial Muscular Dystrophy. Identifiers: Orphanet 609, MedGen C1838244, MONDO:0010870, OMIM 600334.
Hypertrophic cardiomyopathy 9. Also called: Familial hypertrophic cardiomyopathy 9. Identifiers: MedGen C1861065, MONDO:0013412, OMIM 613765.

Allele frequency attached by ClinVar (database versions not stated): gnomAD 0.00001 and 0.00008; gnomAD exomes 0.00001 and 0.00003; ExAC 0.00002; ESP Exome Variant Server 0.00008; TOPMed 0.00009.
gnomAD v4.1: 34 of 1,606,034 alleles (0.0021%); highest among the groups gnomAD compares: Non-Finnish European, 0.0018%; no homozygotes.

Submissions (6):

CeGaT Center for Human Genetics Tuebingen
Classification: Uncertain significance. Last evaluated: 2025-03-01. Review status: criteria provided, single submitter. Criteria: CeGaT Center For Human Genetics Tuebingen Variant Classification Criteria Version 2. Collection method: clinical testing. Allele origin: germline. Affected: yes. Observed: 1 variant allele.
Comment: TTN: PM2, BP4

Blueprint Genetics
Classification: Likely benign. Last evaluated: 2024-02-19. Review status: criteria provided, single submitter. Criteria: ACMG Guidelines, 2015. Collection method: clinical testing. Allele origin: germline.

Fulgent Genetics
Classification: Uncertain significance for Tibial muscular dystrophy; Myopathy, myofibrillar, 9, with early respiratory failure; Dilated cardiomyopathy 1G; Autosomal recessive limb-girdle muscular dystrophy type 2J; Early-onset myopathy with fatal cardiomyopathy; Hypertrophic cardiomyopathy 9. Last evaluated: 2021-08-03. Review status: criteria provided, single submitter. Criteria: ACMG Guidelines, 2015. Collection method: clinical testing. Allele origin: unknown.

Revvity Omics, Revvity
Classification: Uncertain significance. Last evaluated: 2021-07-13. Review status: criteria provided, single submitter. Criteria: ACMG Guidelines, 2015. Collection method: clinical testing. Allele origin: germline.

Eurofins Ntd Llc (ga)
Classification: Uncertain significance. Last evaluated: 2017-07-10. Review status: criteria provided, single submitter. Criteria: EGL Classification Definitions 2015. Collection method: clinical testing. Allele origin: germline. Observed: 1 variant allele, 1 heterozygote.

GeneDx
Classification: Uncertain significance. Last evaluated: 2015-12-14. Review status: criteria provided, single submitter. Criteria: GeneDx Variant Classification (06012015). Collection method: clinical testing. Allele origin: germline. Affected: yes.
Comment: Missense variants in the TTN gene are considered 'unclassified' if they are not previously reported in the literature and do not have >1% frequency in the population to be considered a polymorphism. Research indicates that truncating mutations in the TTN gene are expected to account for approximately 25% of familial and 18% of sporadic idiopathic DCM; however, truncating variants in the TTN gene have been reported in approximately 3% of reported control alleles. There has been little investigation into non-truncating variants. (Herman D et al. Truncations of titin causing dilated cardiomyopathy. N Eng J Med 366:619-628, 2012) The variant is found in DCM panel(s).

NM_001267550.2(TTN):c.47836T>C (p.Ser15946Pro)

Genes: TTN (titin; minus strand), TTN-AS1 (TTN antisense RNA 1; plus strand). Cytogenetic location: 2q31.2.
Variant type: single nucleotide variant.
Coding change: c.47836T>C on transcript NM_001267550.2 (MANE Select); coding-DNA position 47836, T replaced by C.
Protein change: p.Ser15946Pro; replaces serine 15946 with proline.
Molecular consequence: missense variant.
Genome position (GRCh38, 1-based): chr2:178,617,159, A>G on the plus strand (T>C on the coding strand, the complement: TTN is on the minus strand). VCF-style: chr2-178617159-A-G. GRCh37 (hg19) VCF-style: chr2-179481886-A-G.
Other names: p.S14305P:TCT>CCT; c.42913T>C, p.Ser14305Pro (NM_001256850.1); c.20641T>C, p.Ser6881Pro (NM_003319.4); c.40132T>C, p.Ser13378Pro (NM_133378.4); c.21016T>C, p.Ser7006Pro (NM_133432.3); c.21217T>C, p.Ser7073Pro (NM_133437.4); short protein forms S14305P, S15946P, S13378P, S6881P, S7073P, S7006P.
Identifiers: ClinVar variation 202659 (VCV000202659.18), dbSNP rs369663023, ClinGen allele CA309899.